The following is an entry in ClinVar:

ClinVar aggregate classification (germline): Benign. Review status: criteria provided, multiple submitters, no conflicts (2 of 4 stars). 12 submissions from 11 submitters: Benign (10). 2 of the submissions do not count toward it. Last evaluated 2026-02-03.

Conditions:
Autosomal dominant nonsyndromic hearing loss 20. Identifiers: Orphanet 90635, MedGen C1858172, MONDO:0011480, OMIM 604717.
Baraitser-winter syndrome 2. Identifiers: Orphanet 2995, MedGen C3281235, MONDO:0013812, OMIM 614583.

Allele frequency attached by ClinVar (database versions not stated): gnomAD exomes 0.01620 and 0.02246; ExAC 0.02346; ESP Exome Variant Server 0.03875; gnomAD 0.04077 and 0.04214; TOPMed 0.04386; 1000 Genomes Project 0.05072; 1000 Genomes Project 30x 0.05278.
gnomAD v4.1: 30,261 of 1,612,654 alleles (1.9%); highest among the groups gnomAD compares: African/African-American, 10%; 637 homozygotes.

Submissions (12):

Labcorp Genetics (formerly Invitae), Labcorp
Classification: Benign for Baraitser-winter syndrome 2; Autosomal dominant nonsyndromic hearing loss 20. Last evaluated: 2026-02-03. Review status: criteria provided, single submitter. Criteria: Invitae Variant Classification Sherloc (09022015). Collection method: clinical testing. Allele origin: germline.

Blueprint Genetics
Classification: Benign. Last evaluated: 2024-11-27. Review status: criteria provided, single submitter. Criteria: ACMG Guidelines, 2015. Collection method: clinical testing. Allele origin: germline.

Mayo Clinic Laboratories, Mayo Clinic
Classification: Benign. Last evaluated: 2022-04-26. Review status: criteria provided, single submitter. Criteria: ACMG Guidelines, 2015. Collection method: clinical testing. Allele origin: germline. Observed: 11 variant alleles.

Genome-Nilou Lab
Classification: Benign for Baraitser-winter syndrome 2. Last evaluated: 2021-12-05. Review status: criteria provided, single submitter. Criteria: ACMG Guidelines, 2015. Collection method: clinical testing. Allele origin: germline. Affected: no.

Genome-Nilou Lab
Classification: Benign for Autosomal dominant nonsyndromic hearing loss 20. Last evaluated: 2021-12-05. Review status: criteria provided, single submitter. Criteria: ACMG Guidelines, 2015. Collection method: clinical testing. Allele origin: germline. Affected: no.

Athena Diagnostics
Classification: Benign. Last evaluated: 2018-05-23. Review status: criteria provided, single submitter. Criteria: Athena Diagnostics Criteria. Collection method: clinical testing. Allele origin: germline.

GeneDx
Classification: Benign. Last evaluated: 2015-11-13. Review status: criteria provided, single submitter. Criteria: GeneDx Variant Classification (06012015). Collection method: clinical testing. Allele origin: germline. Affected: yes.
Comment: This variant is considered likely benign or benign based on one or more of the following criteria: it is a conservative change, it occurs at a poorly conserved position in the protein, it is predicted to be benign by multiple in silico algorithms, and/or has population frequency not consistent with disease.

Genetic Services Laboratory, University of Chicago
Classification: Benign for AllHighlyPenetrant. Last evaluated: 2013-02-20. Review status: criteria provided, single submitter. Criteria: ACMG Guidelines, 2007. Collection method: clinical testing. Allele origin: germline. Inheritance: Autosomal recessive inheritance.

Laboratory for Molecular Medicine, Mass General Brigham Personalized Medicine
Classification: Benign. Last evaluated: 2012-05-07. Review status: criteria provided, single submitter. Criteria: LMM Criteria. Collection method: clinical testing. Allele origin: germline. Observed: 88 variant alleles.
Comment: "Gly342Gly in Exon 06 of ACTG1: This variant is not expected to have clinical si gnificance because it does not alter an amino acid residue, is not located withi n the splice consensus sequence, and has been identified in 8.3% (311/3738) of A frican American chromosomes from a broad population by the NHLBI Exome Sequencin g Project (dbSNP rs1139406)."

Breakthrough Genomics
Classification: Benign. Review status: criteria provided, single submitter. Criteria: ACMG Guidelines, 2015. Collection method: not provided. Allele origin: germline. Inheritance: Autosomal dominant inheritance. Affected: yes.

Clinical Genetics DNA and cytogenetics Diagnostics Lab, Erasmus MC, Erasmus Medical Center
Classification: Likely benign. Review status: no assertion criteria provided. Collection method: clinical testing. Allele origin: germline. Affected: yes. Study: VKGL Data-share Consensus. Not counted in ClinVar's aggregate classification.

Joint Genome Diagnostic Labs from Nijmegen and Maastricht, Radboudumc and MUMC+
Classification: Benign. Review status: no assertion criteria provided. Collection method: clinical testing. Allele origin: germline. Affected: yes. Study: VKGL Data-share Consensus. Not counted in ClinVar's aggregate classification.

NM_001614.5(ACTG1):c.1026T>C (p.Gly342=)

Gene: ACTG1 (actin gamma 1; minus strand). Cytogenetic location: 17q25.3.
Variant type: single nucleotide variant.
Coding change: c.1026T>C on transcript NM_001614.5 (MANE Select); coding-DNA position 1026, T replaced by C.
Protein change: p.Gly342=; no amino-acid change (glycine 342 retained).
Molecular consequence: synonymous variant. On other transcripts: non-coding transcript variant (1).
Genome position (GRCh38, 1-based): chr17:81,510,792, A>G on the plus strand (T>C on the coding strand, the complement: ACTG1 is on the minus strand). VCF-style: chr17-81510792-A-G. GRCh37 (hg19) VCF-style: chr17-79477818-A-G.
Other names: p.Gly342=; c.1026T>C, p.Gly342= (NM_001199954.3).
Identifiers: ClinVar variation 128268 (VCV000128268.27), dbSNP rs1139406, ClinGen allele CA151583.